The following is an entry in ClinVar:

ClinVar aggregate classification (germline): Conflicting classifications of pathogenicity. Review status: criteria provided, conflicting classifications (1 of 4 stars). 3 submissions from 3 submitters: Uncertain significance (2); Likely benign (1). Last evaluated 2025-09-08.

Conditions:
Inborn genetic diseases. Identifiers: MedGen C0950123, MeSH D030342.

Allele frequency attached by ClinVar (database versions not stated): TOPMed 0.00002.

Submissions (3):

Labcorp Genetics (formerly Invitae), Labcorp
Classification: Uncertain significance. Last evaluated: 2025-09-08. Review status: criteria provided, single submitter. Criteria: Invitae Variant Classification Sherloc (09022015). Collection method: clinical testing. Allele origin: germline.
Comment: This sequence change replaces threonine, which is neutral and polar, with asparagine, which is neutral and polar, at codon 1624 of the ANK3 protein (p.Thr1624Asn). This variant is present in population databases (rs199792393, gnomAD 0.03%). This variant has not been reported in the literature in individuals affected with ANK3-related conditions. ClinVar contains an entry for this variant (Variation ID: 1901420). Invitae Evidence Modeling of protein sequence and biophysical properties (such as structural, functional, and spatial information, amino acid conservation, physicochemical variation, residue mobility, and thermodynamic stability) has been performed for this missense variant. However, the output from this modeling did not meet the statistical confidence thresholds required to predict the impact of this variant on ANK3 protein function. In summary, the available evidence is currently insufficient to determine the role of this variant in disease. Therefore, it has been classified as a Variant of Uncertain Significance.

Ambry Genetics
Classification: Likely benign for Inborn genetic diseases. Last evaluated: 2025-01-01. Review status: criteria provided, single submitter. Criteria: Ambry Variant Classification Scheme 2023. Collection method: clinical testing. Allele origin: germline.

GeneDx
Classification: Uncertain significance. Last evaluated: 2024-08-12. Review status: criteria provided, single submitter. Criteria: GeneDx Variant Classification Process June 2021. Collection method: clinical testing. Allele origin: germline. Affected: yes.
Comment: In silico analysis indicates that this missense variant does not alter protein structure/function; Has not been previously published as pathogenic or benign to our knowledge

NM_020987.5(ANK3):c.4871C>A (p.Thr1624Asn)

Gene: ANK3 (ankyrin 3; minus strand). Cytogenetic location: 10q21.2.
Variant type: single nucleotide variant.
Coding change: c.4871C>A on transcript NM_020987.5 (MANE Select); coding-DNA position 4871, C replaced by A.
Protein change: p.Thr1624Asn; replaces threonine 1624 with asparagine.
Molecular consequence: missense variant. On other transcripts: intron variant (4).
Genome position (GRCh38, 1-based): chr10:60,076,010, G>T on the plus strand (C>A on the coding strand, the complement: ANK3 is on the minus strand). VCF-style: chr10-60076010-G-T. GRCh37 (hg19) VCF-style: chr10-61835768-G-T.
Other names: c.4387+4527C>A (NM_001204403.2); c.4408+4527C>A (NM_001204404.2); c.4405+4527C>A (NM_001320874.2); c.1807+4527C>A (NM_001149.4); c.4871C>A (NM_020987.3); short protein forms T1624N.
Identifiers: ClinVar variation 1901420 (VCV001901420.7), dbSNP rs199792393, ClinGen allele CA5512095.